The following is an entry in ClinVar:

ClinVar aggregate classification (germline): Pathogenic/Likely pathogenic. Review status: criteria provided, multiple submitters, no conflicts (2 of 4 stars). 2 submissions from 2 submitters: Pathogenic (1); Likely pathogenic (1). Last evaluated 2024-03-22.

Conditions:
Transient bullous dermolysis of the newborn (TBDN). Also called: EPIDERMOLYSIS BULLOSA DYSTROPHICA, NEONATAL FORM; DYSTROPHIC EPIDERMOLYSIS BULLOSA, NEONATAL. Identifiers: Orphanet 79411, MedGen C1851573, MONDO:0007548, OMIM 131705.
Recessive dystrophic epidermolysis bullosa (RDEB). Also called: Recessive DEB (RDEB); DYSTROPHIC EPIDERMOLYSIS BULLOSA, AUTOSOMAL RECESSIVE; EPIDERMOLYSIS BULLOSA DYSTROPHICA, HALLOPEAU-SIEMENS TYPE; Epidermolysis Bullosa Distrophica Autosomal Recessive (RDEB); Hallopeau-Siemens Disease; severe generalized recessive dystrophic epidermolysis bullosa. Identifiers: Orphanet 79408, Orphanet 79409, MedGen C0079474, MONDO:0009179, OMIM 226600.
Nonsyndromic congenital nail disorder 8. Also called: TOENAIL DYSTROPHY, ISOLATED. Identifiers: MedGen C1843761, MONDO:0011852, OMIM 607523.
Epidermolysis bullosa pruriginosa. Also called: DEB, PRURIGINOSA; DYSTROPHIC EPIDERMOLYSIS BULLOSA PRURIGINOSA. Identifiers: Orphanet 89843, MedGen C1275114, MONDO:0011398, OMIM 604129.
Pretibial dystrophic epidermolysis bullosa. Also called: EPIDERMOLYSIS BULLOSA DYSTROPHICA, PRETIBIAL; Pretibial epidermolysis bullosa; Pretibial blistering. Identifiers: Orphanet 79410, MedGen C0432321, MONDO:0007552, OMIM 131850, HP:0012221.
Dominant dystrophic epidermolysis bullosa with absence of skin. Also called: EPIDERMOLYSIS BULLOSA DYSTROPHICA, BART TYPE; EPIDERMOLYSIS BULLOSA WITH CONGENITAL LOCALIZED ABSENCE OF SKIN AND DEFORMITY OF NAILS. Identifiers: MedGen C0268371, MONDO:0007557, OMIM 132000.
Generalized dominant dystrophic epidermolysis bullosa (DDEB). Also called: Dominant DEB (DDEB); DDEB, generalized; DDEB-gen; DYSTROPHIC EPIDERMOLYSIS BULLOSA, AUTOSOMAL DOMINANT; Epidermolysis bullosa dystrophica, autosomal dominant. Identifiers: Orphanet 231568, MedGen C0432322, MONDO:0007549, OMIM 131750.

Submissions (2):

Labcorp Genetics (formerly Invitae), Labcorp
Classification: Pathogenic. Last evaluated: 2024-03-22. Review status: criteria provided, single submitter. Criteria: Invitae Variant Classification Sherloc (09022015). Collection method: clinical testing. Allele origin: germline.
Comment: This sequence change creates a premature translational stop signal (p.Pro1277Argfs*48) in the COL7A1 gene. It is expected to result in an absent or disrupted protein product. Loss-of-function variants in COL7A1 are known to be pathogenic (PMID: 16971478). This variant is present in population databases (rs774436727, gnomAD 0.0009%). This variant has not been reported in the literature in individuals affected with COL7A1-related conditions. ClinVar contains an entry for this variant (Variation ID: 1072343). For these reasons, this variant has been classified as Pathogenic.

Fulgent Genetics
Classification: Likely pathogenic for Transient bullous dermolysis of the newborn; Generalized dominant dystrophic epidermolysis bullosa; Pretibial dystrophic epidermolysis bullosa; Dominant dystrophic epidermolysis bullosa with absence of skin; Recessive dystrophic epidermolysis bullosa; Epidermolysis bullosa pruriginosa; Nonsyndromic congenital nail disorder 8. Last evaluated: 2024-02-06. Review status: criteria provided, single submitter. Criteria: ACMG Guidelines, 2015. Collection method: clinical testing. Allele origin: germline.

Literature cited by the submitters: PubMed 16971478 (cited by Labcorp Genetics (formerly Invitae), Labcorp).

NM_000094.4(COL7A1):c.3830del (p.Pro1277fs)

Gene: COL7A1 (collagen type VII alpha 1 chain; minus strand). Cytogenetic location: 3p21.31.
Variant type: Deletion.
Coding change: c.3830del on transcript NM_000094.4 (MANE Select); coding-DNA position 3830, one base deleted (C; older notation c.3830delC).
Protein change: p.Pro1277fs; shifts the reading frame from proline 1277.
Molecular consequence: frameshift variant.
Genome position (GRCh38, 1-based): chr3:48,585,691, G deleted on the plus strand (C on the coding strand, the reverse complement: COL7A1 is on the minus strand); the first of 3 consecutive G bases (chr3:48,585,691-48,585,693); deleting any one gives the same sequence. VCF-style (leftmost placement, unchanged base first): chr3-48585690-CG-C. GRCh37 (hg19) VCF-style: chr3-48623123-CG-C.
Other names: short protein forms P1277fs.
Identifiers: ClinVar variation 1072343 (VCV001072343.6), dbSNP rs774436727, ClinGen allele CA2380379.